The following is an entry in ClinVar:

ClinVar aggregate classification (germline): Uncertain significance (1 of 4 stars; one submission).

Submission:

Labcorp Genetics (formerly Invitae), Labcorp
Classification: Uncertain significance. Last evaluated: 2025-11-15. Review status: criteria provided, single submitter. Criteria: Invitae Variant Classification Sherloc (09022015). Collection method: clinical testing. Allele origin: germline.
Comment: This sequence change replaces arginine, which is basic and polar, with cysteine, which is neutral and slightly polar, at codon 109 of the SLIT2 protein (p.Arg109Cys). This variant is not present in population databases (gnomAD no frequency). This variant has not been reported in the literature in individuals affected with SLIT2-related conditions. An algorithm developed to predict the effect of missense changes on protein structure and function (PolyPhen-2) suggests that this variant is likely to be disruptive. In summary, the available evidence is currently insufficient to determine the role of this variant in disease. Therefore, it has been classified as a Variant of Uncertain Significance.

NM_004787.4(SLIT2):c.325C>T (p.Arg109Cys)

Gene: SLIT2 (slit guidance ligand 2; plus strand). Cytogenetic location: 4p15.31.
Variant type: single nucleotide variant.
Coding change: c.325C>T on transcript NM_004787.4 (MANE Select); coding-DNA position 325, C replaced by T.
Protein change: p.Arg109Cys; replaces arginine 109 with cysteine.
Molecular consequence: missense variant.
Genome position (GRCh38, 1-based): chr4:20,268,811, C>T. VCF-style: chr4-20268811-C-T. GRCh37 (hg19) VCF-style: chr4-20270434-C-T.
Other names: c.325C>T, p.Arg109Cys (NM_001289135.3, NM_001289136.3); short protein forms R109C.
Identifiers: ClinVar variation 4751544 (VCV004751544.1).
Genomic context (GRCh38, chr4:20,268,811, plus strand): 5'-CAGTCTCATTGTTGGGTATTTTCTATGTAACATAAGCTTTGTTTTTGTTTTCTCAAAAGG[C>T]GTTTAAACAGAAATCACCTTCAGCTGTTTCCTGAGTTGCTGTTTCTTGGGACTGCGAAGC-3'
Protein context (NP_004778.1, residues 99-119): FQDLKELERL[Arg109Cys]LNRNHLQLFP